The following is an entry in ClinVar:

NM_182641.4(BPTF):c.2003A>G (p.Gln668Arg)

Gene: BPTF (bromodomain PHD finger transcription factor; plus strand). Cytogenetic location: 17q24.2.
Variant type: single nucleotide variant.
Coding change: c.2003A>G on transcript NM_182641.4 (MANE Select); coding-DNA position 2003, A replaced by G.
Protein change: p.Gln668Arg; replaces glutamine 668 with arginine.
Molecular consequence: missense variant.
Genome position (GRCh38, 1-based): chr17:67,891,982, A>G. VCF-style: chr17-67891982-A-G. GRCh37 (hg19) VCF-style: chr17-65888098-A-G.
Other names: c.2192A>G, p.Gln731Arg (NM_001439139.1, NM_001439141.1, NM_001439143.1 and 1 more transcripts); c.2381A>G, p.Gln794Arg (NM_001439140.1, NM_001439142.1, NM_004459.7); short protein forms Q668R, Q731R, Q794R.
Identifiers: ClinVar variation 5020559 (VCV005020559.1).
Genomic context (GRCh38, chr17:67,891,982, plus strand): 5'-CTCGAATCATCACCAGATTGCGGAATCCAGATAGCAAACTTAGTCAGCTGAAGAGCCAGC[A>G]GGTGGCAGCCGCTGCACATGAAGCAAATAAATTATTTAAGGAGGGCAAAGAGGTGTGTTC-3'
Protein context (NP_872579.2, residues 658-678): DSKLSQLKSQ[Gln668Arg]VAAAAHEANK

ClinVar aggregate classification (germline): Uncertain significance (1 of 4 stars; one submission).

Submission:

Dasa
Classification: Uncertain significance. Last evaluated: 2026-05-15. Review status: criteria provided, single submitter. Criteria: DASA Assertion Criteria. Collection method: clinical testing. Allele origin: germline.
Comment: NM_182641.4(BPTF):c.2003A>G (p.Gln668Arg) is a missense variant that results in the substitution of glutamine with arginine. This variant is rare in population databases. The currently available literature and clinical evidence are not sufficient to establish a definitive association between this variant and the reported condition. Therefore, this variant is classified as a variant of uncertain significance.